The following is an entry in ClinVar:

NM_004958.4(MTOR):c.2387A>G (p.Asn796Ser)

Gene: MTOR (mechanistic target of rapamycin kinase; minus strand). Cytogenetic location: 1p36.22.
Variant type: single nucleotide variant.
Coding change: c.2387A>G on transcript NM_004958.4 (MANE Select); coding-DNA position 2387, A replaced by G.
Protein change: p.Asn796Ser; replaces asparagine 796 with serine.
Molecular consequence: missense variant.
Genome position (GRCh38, 1-based): chr1:11,233,432, T>C on the plus strand (A>G on the coding strand, the complement: MTOR is on the minus strand). VCF-style: chr1-11233432-T-C. GRCh37 (hg19) VCF-style: chr1-11293489-T-C.
Other names: c.2387A>G, p.Asn796Ser (NM_001386500.1); c.1139A>G, p.Asn380Ser (NM_001386501.1); short protein forms N380S, N796S.
Identifiers: ClinVar variation 1409619 (VCV001409619.14), dbSNP rs767907905, ClinGen allele CA590508.

ClinVar aggregate classification (germline): Uncertain significance. Review status: criteria provided, multiple submitters, no conflicts (2 of 4 stars). 2 submissions from 2 submitters: Uncertain significance (2). Last evaluated 2025-08-01.

Allele frequency attached by ClinVar (database versions not stated): gnomAD exomes below 0.00001; TOPMed below 0.00001; ExAC 0.00001.
gnomAD v4.1: 4 of 1,614,170 alleles (0.00025%); highest among the groups gnomAD compares: South Asian, 0.0011%; no homozygotes.

Submissions (2):

CeGaT Center for Human Genetics Tuebingen
Classification: Uncertain significance. Last evaluated: 2025-08-01. Review status: criteria provided, single submitter. Criteria: CeGaT Center For Human Genetics Tuebingen Variant Classification Criteria Version 2. Collection method: clinical testing. Allele origin: germline. Affected: yes. Observed: 1 variant allele.

Labcorp Genetics (formerly Invitae), Labcorp
Classification: Uncertain significance. Last evaluated: 2022-08-23. Review status: criteria provided, single submitter. Criteria: Invitae Variant Classification Sherloc (09022015). Collection method: clinical testing. Allele origin: germline.
Comment: This variant has not been reported in the literature in individuals affected with MTOR-related conditions. In summary, the available evidence is currently insufficient to determine the role of this variant in disease. Therefore, it has been classified as a Variant of Uncertain Significance. Advanced modeling of protein sequence and biophysical properties (such as structural, functional, and spatial information, amino acid conservation, physicochemical variation, residue mobility, and thermodynamic stability) performed at Invitae indicates that this missense variant is not expected to disrupt MTOR protein function. ClinVar contains an entry for this variant (Variation ID: 1409619). This variant is present in population databases (rs767907905, gnomAD 0.003%). This sequence change replaces asparagine, which is neutral and polar, with serine, which is neutral and polar, at codon 796 of the MTOR protein (p.Asn796Ser).